The following is an entry in ClinVar:

ClinVar aggregate classification (germline): Uncertain significance (1 of 4 stars; one submission).

Allele frequency attached by ClinVar (database versions not stated): gnomAD exomes below 0.00001; ExAC 0.00001.
gnomAD v4.1: 6 of 1,611,398 alleles (0.00037%); highest among the groups gnomAD compares: East Asian, 0.011%; no homozygotes.

Submission:

GeneDx
Classification: Uncertain significance. Last evaluated: 2022-08-18. Review status: criteria provided, single submitter. Criteria: GeneDx Variant Classification Process June 2021. Collection method: clinical testing. Allele origin: germline. Affected: yes.
Comment: In silico analysis supports that this missense variant does not alter protein structure/function; Has not been previously published as pathogenic or benign to our knowledge

NM_194248.3(OTOF):c.2857G>T (p.Val953Phe)

Gene: OTOF (otoferlin; minus strand). Cytogenetic location: 2p23.3.
Variant type: single nucleotide variant.
Coding change: c.2857G>T on transcript NM_194248.3 (MANE Select); coding-DNA position 2857, G replaced by T.
Protein change: p.Val953Phe; replaces valine 953 with phenylalanine.
Molecular consequence: missense variant.
Genome position (GRCh38, 1-based): chr2:26,476,137, C>A on the plus strand (G>T on the coding strand, the complement: OTOF is on the minus strand). VCF-style: chr2-26476137-C-A. GRCh37 (hg19) VCF-style: chr2-26699005-C-A.
Other names: c.2857G>T, p.Val953Phe (NM_001287489.2); c.616G>T, p.Val206Phe (NM_004802.4, NM_194323.3); c.787G>T, p.Val263Phe (NM_194322.3); short protein forms V206F, V263F, V953F.
Identifiers: ClinVar variation 2430542 (VCV002430542.1), dbSNP rs767573171, ClinGen allele CA1563761.